The following is an entry in ClinVar:

ClinVar aggregate classification (germline): Conflicting classifications of pathogenicity. Review status: criteria provided, conflicting classifications (1 of 4 stars). 5 submissions from 5 submitters: Uncertain significance (4); Benign (1). Last evaluated 2026-01-04.

Conditions:
BAP1-related tumor predisposition syndrome (TPDS1). Also called: Tumor susceptibility linked to germline BAP1 mutations; BAP1 tumor predisposition syndrome; COMMON Syndrome; TUMOR PREDISPOSITION SYNDROME 1. Identifiers: Orphanet 289539, MedGen C3280492, MONDO:0013692, OMIM 614327.
Hereditary cancer-predisposing syndrome. Also called: Hereditary Cancer Syndrome; Neoplastic Syndromes, Hereditary; Tumor predisposition; Hereditary neoplastic syndrome. Identifiers: Orphanet 140162, MedGen C0027672, MeSH D009386, MONDO:0015356.

Allele frequency attached by ClinVar (database versions not stated): gnomAD below 0.00001 and 0.00001; gnomAD exomes 0.00002 and 0.00005; ExAC 0.00006; ESP Exome Variant Server 0.00008; 1000 Genomes Project 30x 0.00016; 1000 Genomes Project 0.00020.
gnomAD v4.1: 27 of 1,614,182 alleles (0.0017%); highest among the groups gnomAD compares: South Asian, 0.022%; no homozygotes.

Submissions (5):

Labcorp Genetics (formerly Invitae), Labcorp
Classification: Uncertain significance for BAP1-related tumor predisposition syndrome. Last evaluated: 2026-01-04. Review status: criteria provided, single submitter. Criteria: Invitae Variant Classification Sherloc (09022015). Collection method: clinical testing. Allele origin: germline.
Comment: This sequence change replaces glutamic acid, which is acidic and polar, with valine, which is neutral and non-polar, at codon 602 of the BAP1 protein (p.Glu602Val). This variant is present in population databases (rs144993791, gnomAD 0.03%). This variant has not been reported in the literature in individuals affected with BAP1-related conditions. ClinVar contains an entry for this variant (Variation ID: 490815). Invitae Evidence Modeling of protein sequence and biophysical properties (such as structural, functional, and spatial information, amino acid conservation, physicochemical variation, residue mobility, and thermodynamic stability) indicates that this missense variant is not expected to disrupt BAP1 protein function with a negative predictive value of 80%. In summary, the available evidence is currently insufficient to determine the role of this variant in disease. Therefore, it has been classified as a Variant of Uncertain Significance.

Color Diagnostics, LLC DBA Color Health
Classification: Uncertain significance for Hereditary cancer-predisposing syndrome. Last evaluated: 2025-11-24. Review status: criteria provided, single submitter. Criteria: ACMG Guidelines, 2015. Collection method: clinical testing. Allele origin: germline.
Comment: This missense variant replaces glutamic acid with valine at codon 602 of the BAP1 protein. Computational prediction suggests that this variant may not impact protein structure and function. To our knowledge, functional studies have not been reported for this variant. This variant has not been reported in individuals affected with BAP1-related disorders in the literature. This variant has been identified in 13/251432 chromosomes in the general population by the Genome Aggregation Database (gnomAD). The available evidence is insufficient to determine the role of this variant in disease conclusively. Therefore, this variant is classified as a Variant of Uncertain Significance.

Center for Genomic Medicine, Rigshospitalet, Copenhagen University Hospital
Classification: Uncertain significance. Last evaluated: 2025-03-04. Review status: criteria provided, single submitter. Criteria: ACMG Guidelines, 2015. Collection method: clinical testing. Allele origin: germline.

Quest Diagnostics Nichols Institute San Juan Capistrano
Classification: Uncertain significance. Last evaluated: 2023-09-14. Review status: criteria provided, single submitter. Criteria: Quest Diagnostics criteria. Collection method: clinical testing. Allele origin: unknown.
Comment: This variant has not been reported in the published literature in individuals with BAP1-related conditions. The frequency of this variant in the general population, 0.00033 (10/30616 chromosomes (Genome Aggregation Database)), is uninformative in the assessment of its pathogenicity. Analysis of this variant using bioinformatics tools for the prediction of the effect of amino acid changes on protein structure and function yielded predictions that this variant is benign. Based on the available information, we are unable to determine the clinical significance of this variant.

Ambry Genetics
Classification: Benign for Hereditary cancer-predisposing syndrome. Last evaluated: 2023-07-17. Review status: criteria provided, single submitter. Criteria: Ambry Variant Classification Scheme 2023. Collection method: clinical testing. Allele origin: germline.

NM_004656.4(BAP1):c.1805A>T (p.Glu602Val)

Gene: BAP1 (BRCA1 associated deubiquitinase 1; minus strand). Cytogenetic location: 3p21.1.
Variant type: single nucleotide variant.
Coding change: c.1805A>T on transcript NM_004656.4 (MANE Select); coding-DNA position 1805, A replaced by T.
Protein change: p.Glu602Val; replaces glutamic acid 602 with valine.
Molecular consequence: missense variant.
Genome position (GRCh38, 1-based): chr3:52,403,223, T>A on the plus strand (A>T on the coding strand, the complement: BAP1 is on the minus strand). VCF-style: chr3-52403223-T-A. GRCh37 (hg19) VCF-style: chr3-52437239-T-A.
Other names: short protein forms E602V.
Identifiers: ClinVar variation 490815 (VCV000490815.18), dbSNP rs144993791, ClinGen allele CA2436712.